The following is an entry in ClinVar:

NM_058216.3(RAD51C):c.146-1G>T

Gene: RAD51C (RAD51 paralog C; plus strand). Cytogenetic location: 17q22.
Variant type: single nucleotide variant.
Coding change: c.146-1G>T on transcript NM_058216.3 (MANE Select); the canonical splice acceptor site of the intron before coding-DNA position 146, G replaced by T.
Molecular consequence: splice acceptor variant.
Genome position (GRCh38, 1-based): chr17:58,694,930, G>T. VCF-style: chr17-58694930-G-T. GRCh37 (hg19) VCF-style: chr17-56772291-G-T.
Other names: c.146-1G>T (NM_002876.4).
Identifiers: ClinVar variation 819278 (VCV000819278.4), dbSNP rs1555593458, ClinGen allele CA400339475.
Genomic context (GRCh38, chr17:58,694,930, plus strand): 5'-TATCATGTTACACTTTTAAATCTCTAAAATTAGGGTTCTTTTTTTCTTATTTTACTTTCA[G>T]AAGTTGGGATATCTAAAGCAGAAGCCTTAGAAACTCTGCAAATTATCAGAAGAGAATGTC-3'

ClinVar aggregate classification (germline): Likely pathogenic (1 of 4 stars; one submission).

Conditions:
Hereditary cancer-predisposing syndrome. Also called: Tumor predisposition; Hereditary neoplastic syndrome; Neoplastic Syndromes, Hereditary; Hereditary Cancer Syndrome. Identifiers: Orphanet 140162, MedGen C0027672, MeSH D009386, MONDO:0015356.

Submission:

Ambry Genetics
Classification: Likely pathogenic for Hereditary cancer-predisposing syndrome. Last evaluated: 2019-06-04. Review status: criteria provided, single submitter. Criteria: Ambry Variant Classification Scheme 2023. Collection method: clinical testing. Allele origin: germline.
Comment: The c.146-1G>T intronic variant results from a G to T substitution one nucleotide upstream from coding exon 2 of the RAD51C gene. This nucleotide position is highly conserved in available vertebrate species. Using two different splice site prediction tools, this alteration is predicted by ESEfinder to abolish the native splice acceptor site, and is predicted to weaken (but not abolish) the efficiency of the native splice acceptor site by BDGP; however, direct evidence is unavailable. Alterations that disrupt the canonical splice site are expected to cause aberrant splicing, resulting in an abnormal protein or a transcript that is subject to nonsense-mediated mRNA decay. As such, this alteration is classified as likely pathogenic.